The following is an entry in ClinVar:

ClinVar aggregate classification (germline): Uncertain significance. Review status: criteria provided, multiple submitters, no conflicts (2 of 4 stars). 3 submissions from 3 submitters: Uncertain significance (3). Last evaluated 2025-12-15.

Conditions:
Nephronophthisis 12 (NPHP12). Identifiers: Orphanet 655, MedGen C3151186, MONDO:0013442, OMIM 613820.
Asphyxiating thoracic dystrophy 4 (SRTD4). Also called: SHORT-RIB THORACIC DYSPLASIA 4 WITH OR WITHOUT POLYDACTYLY; SHORT-RIB THORACIC DYSPLASIA 4. Identifiers: Orphanet 474, MedGen C3151185, MONDO:0013441, OMIM 613819.
Nephronophthisis. Also called: Juvenile Nephronophthisis. Identifiers: Orphanet 655, MedGen C0687120, MONDO:0019005, HP:0000090.
Jeune thoracic dystrophy. Also called: Jeune syndrome; Infantile thoracic dystrophy; Thoracic pelvic phalangeal dystrophy; Jeune's syndrome; Chondroectodermal dysplasia-like syndrome; Short-rib thoracic dysplasia. Identifiers: Orphanet 474, MedGen C0265275, MONDO:0018770.
TTC21B-related disorder. Also called: TTC21B-related disorders; TTC21B-related condition.

Allele frequency attached by ClinVar (database versions not stated): ExAC 0.00003; gnomAD exomes 0.00005 and 0.00010; TOPMed 0.00005; gnomAD 0.00006.
gnomAD v4.1: 151 of 1,612,974 alleles (0.0094%); highest among the groups gnomAD compares: Non-Finnish European, 0.012%; no homozygotes.

Submissions (3):

PreventionGenetics, part of Exact Sciences
Classification: Uncertain significance for TTC21B-related condition. Last evaluated: 2025-12-15. Review status: criteria provided, single submitter. Criteria: ACMG Guidelines, 2015. Collection method: clinical testing. Allele origin: germline.
Comment: The TTC21B c.2176C>A variant is predicted to result in the amino acid substitution p.Leu726Ile. To our knowledge, this variant has not been reported in the literature. This variant is reported in 0.011% of alleles in individuals of Latino descent in gnomAD. At this time, the clinical significance of this variant is uncertain due to the absence of conclusive functional and genetic evidence.

Labcorp Genetics (formerly Invitae), Labcorp
Classification: Uncertain significance for Jeune thoracic dystrophy; Nephronophthisis. Last evaluated: 2024-12-02. Review status: criteria provided, single submitter. Criteria: Invitae Variant Classification Sherloc (09022015). Collection method: clinical testing. Allele origin: germline.
Comment: This sequence change replaces leucine, which is neutral and non-polar, with isoleucine, which is neutral and non-polar, at codon 726 of the TTC21B protein (p.Leu726Ile). This variant is present in population databases (rs762535321, gnomAD 0.01%). This variant has not been reported in the literature in individuals affected with TTC21B-related conditions. ClinVar contains an entry for this variant (Variation ID: 1371760). Invitae Evidence Modeling of protein sequence and biophysical properties (such as structural, functional, and spatial information, amino acid conservation, physicochemical variation, residue mobility, and thermodynamic stability) indicates that this missense variant is not expected to disrupt TTC21B protein function with a negative predictive value of 95%. In summary, the available evidence is currently insufficient to determine the role of this variant in disease. Therefore, it has been classified as a Variant of Uncertain Significance.

Fulgent Genetics
Classification: Uncertain significance for Asphyxiating thoracic dystrophy 4; Nephronophthisis 12. Last evaluated: 2022-01-05. Review status: criteria provided, single submitter. Criteria: ACMG Guidelines, 2015. Collection method: clinical testing. Allele origin: unknown.

NM_024753.5(TTC21B):c.2176C>A (p.Leu726Ile)

Gene: TTC21B (tetratricopeptide repeat domain 21B; minus strand). Cytogenetic location: 2q24.3.
Variant type: single nucleotide variant.
Coding change: c.2176C>A on transcript NM_024753.5 (MANE Select); coding-DNA position 2176, C replaced by A.
Protein change: p.Leu726Ile; replaces leucine 726 with isoleucine.
Molecular consequence: missense variant.
Genome position (GRCh38, 1-based): chr2:165,913,609, G>T on the plus strand (C>A on the coding strand, the complement: TTC21B is on the minus strand). VCF-style: chr2-165913609-G-T. GRCh37 (hg19) VCF-style: chr2-166770119-G-T.
Other names: c.2176C>A (NM_024753.4); short protein forms L726I.
Identifiers: ClinVar variation 1371760 (VCV001371760.9), dbSNP rs762535321, ClinGen allele CA1941908.
Genomic context (GRCh38, chr2:165,913,609, plus strand): 5'-AGTTCAGTAACATCAGAAATTTTACCTCTAGAATATTCATGTATGCATCACCAAGGAGAA[G>T]AAAAGACCGAGGGTTAGCCATTCTTTCAGCAATTTCTCTGGAAATCAGACCAACATTACT-3'
Protein context (NP_079029.3, residues 716-736): AERMANPRSF[Leu726Ile]LLGDAYMNIL